The following is an entry in ClinVar:

NM_003068.5(SNAI2):c.105G>A (p.Glu35=)

Gene: SNAI2 (snail family transcriptional repressor 2; minus strand). Cytogenetic location: 8q11.21.
Variant type: single nucleotide variant.
Coding change: c.105G>A on transcript NM_003068.5 (MANE Select); coding-DNA position 105, G replaced by A.
Protein change: p.Glu35=; no amino-acid change (glutamic acid 35 retained).
Molecular consequence: synonymous variant.
Genome position (GRCh38, 1-based): chr8:48,920,416, C>T on the plus strand (G>A on the coding strand, the complement: SNAI2 is on the minus strand). VCF-style: chr8-48920416-C-T. GRCh37 (hg19) VCF-style: chr8-49832975-C-T.
Other names: c.105G>A (NM_003068.4).
Identifiers: ClinVar variation 1986897 (VCV001986897.6), dbSNP rs746846227, ClinGen allele CA460790617.

ClinVar aggregate classification (germline): Likely benign. Review status: criteria provided, single submitter (1 of 4 stars). 2 submissions from 2 submitters: Likely benign (1). 1 of the submissions does not count toward it. Last evaluated 2022-03-03.

Conditions:
SNAI2-related disorder. Also called: SNAI2-related condition.

Allele frequency attached by ClinVar (database versions not stated): gnomAD exomes below 0.00001; gnomAD 0.00001; TOPMed 0.00001.

Submissions (2):

Labcorp Genetics (formerly Invitae), Labcorp
Classification: Likely benign. Last evaluated: 2022-03-03. Review status: criteria provided, single submitter. Criteria: Invitae Variant Classification Sherloc (09022015). Collection method: clinical testing. Allele origin: germline.

PreventionGenetics, part of Exact Sciences
Classification: Likely benign for SNAI2-related condition. Last evaluated: 2021-04-06. Review status: no assertion criteria provided. Collection method: clinical testing. Allele origin: germline. Not counted in ClinVar's aggregate classification.
Comment: This variant is classified as likely benign based on ACMG/AMP sequence variant interpretation guidelines (Richards et al. 2015 PMID: 25741868, with internal and published modifications).